The following is an entry in ClinVar:

ClinVar aggregate classification (germline): Benign. Review status: no assertion criteria provided (0 of 4 stars). 2 submissions from 1 submitter: Benign (1). 1 of the submissions does not count toward it. Last evaluated 2010-05-27.

Submissions (2):

ISCA site 4
Classification: Benign. Last evaluated: 2010-05-27. Review status: no assertion criteria provided. Collection method: clinical testing. Allele origin: unknown. Affected: yes. Observed: 2 variant alleles.

ISCA site 4
Classification: Uncertain significance. Last evaluated: 2011-08-12. Review status: flagged submission. Criteria: Kaminsky et al. (Genet Med. 2011). Collection method: clinical testing. Allele origin: unknown. Affected: yes. Observed: 2 variant alleles. Not counted in ClinVar's aggregate classification.
Comment: Copy number variation identified through the course of routine clinical cytogenomic testing in postnatal populations. Clinical assertions have been curated as described in Kaminsky et al. 2011.
ClinVar note: Reason: This record appears to be redundant with a more recent record from the same submitter.
ClinVar note: Notes: SCV000077639 appears to be redundant with SCV000173076.

GRCh38/hg38 15q11.2(chr15:22655582-23174546)x3

Genes: CYFIP1 (cytoplasmic FMR1 interacting protein 1; minus strand), GOLGA6L1 (golgin A6 family like 1; minus strand), NIPA1 (NIPA magnesium transporter 1; plus strand), NIPA2 (NIPA magnesium transporter 2; plus strand), TUBGCP5 (tubulin gamma complex component 5; minus strand) and 16 more. Cytogenetic location: 15q11.2.
Variant type: copy number gain.
Change: copy number 3 (three copies instead of two) of chr15:22,655,582-23,174,546 (519.0 kb, GRCh38 coordinates, 1-based), cytogenetic band 15q11.2.
Identifiers: ClinVar variation 35416 (VCV000035416.3).